The following is an entry in ClinVar:

NC_000002.12:g.(?_44359487)_(44359725_?)del

Gene: PREPL (prolyl endopeptidase like; minus strand). Cytogenetic location: 2p21.
Variant type: Deletion.
Identifiers: ClinVar variation 832630 (VCV000832630.2).

ClinVar aggregate classification (germline): Pathogenic (1 of 4 stars; one submission).

Conditions:
Myasthenic syndrome, congenital, 22 (CMS22). Also called: PREPL DEFICIENCY. Identifiers: MedGen C4479088, MONDO:0044299, OMIM 616224.

Submission:

Labcorp Genetics (formerly Invitae), Labcorp
Classification: Pathogenic for Myasthenic syndrome, congenital, 22. Last evaluated: 2022-06-04. Review status: criteria provided, single submitter. Criteria: Invitae Variant Classification Sherloc (09022015). Collection method: clinical testing. Allele origin: germline.
Comment: This variant is a gross deletion of the genomic region encompassing exon(s) 1 of the PREPL gene, which includes the initiator codon. This deletion extends beyond the assayed region for this gene and therefore may encompass additional genes. It is expected to result in an absent or disrupted protein product. Loss-of-function variants in PREPL are known to be pathogenic (PMID: 24610330, 28726805, 29913539). This variant has not been reported in the literature in individuals affected with PREPL-related conditions. For these reasons, this variant has been classified as Pathogenic.

Literature cited by the submitters: PubMed 24610330; PubMed 28726805; PubMed 29913539.